The following is an entry in ClinVar:

ClinVar aggregate classification (germline): Conflicting classifications of pathogenicity. Review status: criteria provided, conflicting classifications (1 of 4 stars). 4 submissions from 4 submitters: Pathogenic (2); Uncertain significance (1). 1 of the submissions does not count toward it. Last evaluated 2022-03-22.

Conditions:
ACTL6B-related BAFopathy.
ACTL6B-related recessive epilepsy.
Developmental and epileptic encephalopathy, 76. Also called: EPILEPTIC ENCEPHALOPATHY, EARLY INFANTILE, 76; DEVELOPMENTAL DELAY, EPILEPTIC ENCEPHALOPATHY, CEREBRAL ATROPHY, AND ABNORMAL MYELINATION. Identifiers: MedGen C5193113, MONDO:0032768, OMIM 618468.

Submissions (4):

3billion
Classification: Pathogenic for Developmental and epileptic encephalopathy, 76. Last evaluated: 2022-03-22. Review status: criteria provided, single submitter. Criteria: ACMG Guidelines, 2015. Collection method: clinical testing. Allele origin: germline. Affected: yes. Observed: 1 homozygote.
Comment: Frameshift: predicted to result in a loss or disruption of normal protein function through nonsense-mediated decay (NMD) or protein truncation. Multiple pathogenic variants are reported downstream of the variant.It is observed at an extremely low frequency in the gnomAD v2.1.1 dataset (total allele frequency:0.0000247 ).This variant has been reported as pathogenic (ClinVar ID: VCV000828180, PMID:31031012). Therefore, this variant is classified as pathogenic according to the recommendation of ACMG/AMP guideline.

CeGaT Center for Human Genetics Tuebingen
Classification: Uncertain significance. Last evaluated: 2021-12-01. Review status: criteria provided, single submitter. Criteria: CeGaT Center For Human Genetics Tuebingen Variant Classification Criteria Version 2. Collection method: clinical testing. Allele origin: germline. Affected: yes. Observed: 1 variant allele.

Baylor Genetics
Classification: Pathogenic for ACTL6B-related BAFopathy. Last evaluated: 2021-06-10. Review status: criteria provided, single submitter. Criteria: ACMG Guidelines, 2015. Collection method: clinical testing. Allele origin: paternal. Affected: yes.

CHU Sainte-Justine Research Center, University of Montreal
Classification: Likely pathogenic for ACTL6B-related recessive epilepsy. Last evaluated: 2019-03-01. Review status: no assertion criteria provided. Collection method: research. Allele origin: germline. Affected: yes. Not counted in ClinVar's aggregate classification.

Literature cited by the submitters: PubMed 31031012 (cited by 3billion).

NM_016188.5(ACTL6B):c.695del (p.Pro232fs)

Gene: ACTL6B (actin like 6B; minus strand). Cytogenetic location: 7q22.1.
Variant type: Deletion.
Coding change: c.695del on transcript NM_016188.5 (MANE Select); coding-DNA position 695, one base deleted (C; older notation c.695delC).
Protein change: p.Pro232fs; shifts the reading frame from proline 232.
Molecular consequence: frameshift variant. On other transcripts: non-coding transcript variant (1).
Genome position (GRCh38, 1-based): chr7:100,647,508, G deleted on the plus strand (C on the coding strand, the reverse complement: ACTL6B is on the minus strand); the first of 7 consecutive G bases (chr7:100,647,508-100,647,514); deleting any one gives the same sequence. VCF-style (leftmost placement, unchanged base first): chr7-100647507-TG-T. GRCh37 (hg19) VCF-style: chr7-100245130-TG-T.
Other names: short protein forms P232fs.
Identifiers: ClinVar variation 828180 (VCV000828180.39), dbSNP rs779550102, ClinGen allele CA576714472.
Genomic context (GRCh38, chr7:100,647,507, plus strand): 5'-ACACATGTAGTTATGCCAGGACTTGGAGACCTGGGGTAGCTTCTCCTTCTTCTTCCAGTT[TG>T]GGGGGGCACCCTCCCGGACAGGCTCCTGTGGGGGCACAGTGTAGGAACACCCTTTCCTAG-3'